The following is an entry in ClinVar:

NM_001039803.3(CDK20):c.88del (p.Val30fs)

Gene: CDK20 (cyclin dependent kinase 20; minus strand). Cytogenetic location: 9q22.1.
Variant type: Deletion.
Coding change: c.88del on transcript NM_001039803.3 (MANE Select); coding-DNA position 88, one base deleted (G; older notation c.88delG).
Protein change: p.Val30fs; shifts the reading frame from valine 30.
Molecular consequence: frameshift variant.
Genome position (GRCh38, 1-based): chr9:87,974,023, C deleted on the plus strand (G on the coding strand, the reverse complement: CDK20 is on the minus strand). VCF-style (leftmost placement, unchanged base first): chr9-87974022-AC-A. GRCh37 (hg19) VCF-style: chr9-90588937-AC-A.
Other names: c.88del, p.Val30fs (NM_001170639.2, NM_001170640.2, NM_012119.5); c.127del, p.Val43fs (NM_178432.4); short protein forms V30fs, V43fs.
Identifiers: ClinVar variation 4852899 (VCV004852899.1).

ClinVar aggregate classification (germline): Uncertain significance (1 of 4 stars; one submission).

Submission:

Care4Rare-SOLVE, CHEO
Classification: Uncertain significance. Last evaluated: 2026-05-29. Review status: criteria provided, single submitter. Criteria: ACMG Guidelines, 2015. Collection method: clinical testing. Allele origin: maternal. Inheritance: Autosomal recessive inheritance. Affected: yes.
Comment: The c.88del variant is absent from gnomAD v4.1 and is a frameshift variant in exon 2, predicted to cause nonsense-mediated decay.